The following is an entry in ClinVar:

NM_000548.5(TSC2):c.87G>T (p.Arg29Ser)

Gene: TSC2 (TSC complex subunit 2; plus strand). Cytogenetic location: 16p13.3.
Variant type: single nucleotide variant.
Coding change: c.87G>T on transcript NM_000548.5 (MANE Select); coding-DNA position 87, G replaced by T.
Protein change: p.Arg29Ser; replaces arginine 29 with serine.
Molecular consequence: missense variant. On other transcripts: 5 prime UTR variant (1), intron variant (1).
Genome position (GRCh38, 1-based): chr16:2,048,702, G>T. VCF-style: chr16-2048702-G-T. GRCh37 (hg19) VCF-style: chr16-2098703-G-T.
Other names: c.87G>T, p.Arg29Ser (NM_001077183.3, NM_001114382.3, NM_001318827.2 and 4 more transcripts); c.-140G>T (NM_001318831.2); c.120G>T, p.Arg40Ser (NM_001318832.2); c.-10+637G>T (NM_001318829.2); c.87G>T (NM_000548.3); short protein forms R29S, R40S.
Identifiers: ClinVar variation 1014307 (VCV001014307.9), dbSNP rs1010489256, ClinGen allele CA394301358.

ClinVar aggregate classification (germline): Uncertain significance. Review status: criteria provided, multiple submitters, no conflicts (2 of 4 stars). 2 submissions from 2 submitters: Uncertain significance (2). Last evaluated 2025-09-20.

Conditions:
Hereditary cancer-predisposing syndrome. Also called: Tumor predisposition; Hereditary Cancer Syndrome; Neoplastic Syndromes, Hereditary; Hereditary neoplastic syndrome. Identifiers: Orphanet 140162, MedGen C0027672, MeSH D009386, MONDO:0015356.
Tuberous sclerosis 2 (TSC2). Identifiers: Orphanet 805, MedGen C1860707, MONDO:0013199, OMIM 613254.

gnomAD v4.1: 1 of 1,614,066 alleles (0.000062%); highest among the groups gnomAD compares: Non-Finnish European, 0.000085%; no homozygotes.

Submissions (2):

Ambry Genetics
Classification: Uncertain significance for Hereditary cancer-predisposing syndrome. Last evaluated: 2025-09-20. Review status: criteria provided, single submitter. Criteria: Ambry Variant Classification Scheme 2023. Collection method: clinical testing. Allele origin: germline.
Comment: The p.R29S variant (also known as c.87G>T), located in coding exon 1 of the TSC2 gene, results from a G to T substitution at nucleotide position 87. The arginine at codon 29 is replaced by serine, an amino acid with dissimilar properties. This amino acid position is conserved. In addition, this alteration is predicted to be tolerated by in silico analysis. Based on the available evidence, the clinical significance of this variant remains unclear.

Labcorp Genetics (formerly Invitae), Labcorp
Classification: Uncertain significance for Tuberous sclerosis 2. Last evaluated: 2024-09-12. Review status: criteria provided, single submitter. Criteria: Invitae Variant Classification Sherloc (09022015). Collection method: clinical testing. Allele origin: germline.
Comment: This sequence change replaces arginine, which is basic and polar, with serine, which is neutral and polar, at codon 29 of the TSC2 protein (p.Arg29Ser). This variant is not present in population databases (gnomAD no frequency). This variant has not been reported in the literature in individuals affected with TSC2-related conditions. ClinVar contains an entry for this variant (Variation ID: 1014307). Invitae Evidence Modeling of protein sequence and biophysical properties (such as structural, functional, and spatial information, amino acid conservation, physicochemical variation, residue mobility, and thermodynamic stability) indicates that this missense variant is not expected to disrupt TSC2 protein function with a negative predictive value of 95%. In summary, the available evidence is currently insufficient to determine the role of this variant in disease. Therefore, it has been classified as a Variant of Uncertain Significance.